The following is an entry in ClinVar:

NM_000264.5(PTCH1):c.4078T>G (p.Ser1360Ala)

Gene: PTCH1 (patched 1; minus strand). Cytogenetic location: 9q22.32.
Variant type: single nucleotide variant.
Coding change: c.4078T>G on transcript NM_000264.5 (MANE Select); coding-DNA position 4078, T replaced by G.
Protein change: p.Ser1360Ala; replaces serine 1360 with alanine.
Molecular consequence: missense variant. On other transcripts: non-coding transcript variant (1).
Genome position (GRCh38, 1-based): chr9:95,447,178, A>C on the plus strand (T>G on the coding strand, the complement: PTCH1 is on the minus strand). VCF-style: chr9-95447178-A-C. GRCh37 (hg19) VCF-style: chr9-98209460-A-C.
Other names: c.3880T>G, p.Ser1294Ala (NM_001083602.3); c.4075T>G, p.Ser1359Ala (NM_001083603.3); c.3625T>G, p.Ser1209Ala (NM_001083604.3, NM_001083605.3, NM_001083606.3 and 1 more transcripts); c.3922T>G, p.Ser1308Ala (NM_001354918.2); short protein forms S1308A, S1209A, S1294A, S1359A, S1360A.
Identifiers: ClinVar variation 1737598 (VCV001737598.2), dbSNP rs1838003007, ClinGen allele CA374110360.
Genomic context (GRCh38, chr9:95,447,178, plus strand): 5'-CGACAGTCACGGAGGCAGAAGCCGTCACAGTGGTGATGGGCTGGCAGTAGCCGGGCACGG[A>C]GCTGCCCATGGCAGTGGACGCTGGGTTCCGAGGGTTGTGAGAACGGGCCCCGCGAGGGCC-3'
Protein context (NP_000255.2, residues 1350-1370): RNPASTAMGS[Ser1360Ala]VPGYCQPITT

ClinVar aggregate classification (germline): Uncertain significance (1 of 4 stars; one submission).

Conditions:
Hereditary cancer-predisposing syndrome. Also called: Neoplastic Syndromes, Hereditary; Tumor predisposition; Hereditary Cancer Syndrome; Hereditary neoplastic syndrome. Identifiers: Orphanet 140162, MedGen C0027672, MeSH D009386, MONDO:0015356.

Submission:

Ambry Genetics
Classification: Uncertain significance for Hereditary cancer-predisposing syndrome. Last evaluated: 2022-05-06. Review status: criteria provided, single submitter. Criteria: Ambry Variant Classification Scheme 2023. Collection method: clinical testing. Allele origin: germline.
Comment: The p.S1360A variant (also known as c.4078T>G), located in coding exon 23 of the PTCH1 gene, results from a T to G substitution at nucleotide position 4078. The serine at codon 1360 is replaced by alanine, an amino acid with similar properties. This amino acid position is conserved. In addition, this alteration is predicted to be tolerated by in silico analysis. Since supporting evidence is limited at this time, the clinical significance of this alteration remains unclear.